The following is an entry in ClinVar:

ClinVar aggregate classification (germline): Pathogenic. Review status: criteria provided, multiple submitters, no conflicts (2 of 4 stars). 3 submissions from 3 submitters: Pathogenic (2). 1 of the submissions does not count toward it. Last evaluated 2023-03-04.

Conditions:
PNPLA2-related disorder. Also called: PNPLA2-related condition.
Neutral lipid storage myopathy (NLSDM). Also called: NEUTRAL LIPID STORAGE DISEASE WITHOUT ICHTHYOSIS. Identifiers: Orphanet 98908, MedGen C1853136, MONDO:0012545, OMIM 610717.

Allele frequency attached by ClinVar (database versions not stated): TOPMed below 0.00001; gnomAD 0.00001; gnomAD exomes 0.00001; ExAC 0.00002.
gnomAD v4.1: 9 of 1,613,946 alleles (0.00056%); highest among the groups gnomAD compares: Admixed American, 0.0017%; no homozygotes.

Submissions (3):

Labcorp Genetics (formerly Invitae), Labcorp
Classification: Pathogenic for Neutral lipid storage myopathy. Last evaluated: 2023-03-04. Review status: criteria provided, single submitter. Criteria: Invitae Variant Classification Sherloc (09022015). Collection method: clinical testing. Allele origin: germline.
Comment: This sequence change replaces proline, which is neutral and non-polar, with leucine, which is neutral and non-polar, at codon 195 of the PNPLA2 protein (p.Pro195Leu). This variant is present in population databases (rs121918259, gnomAD 0.003%). This missense change has been observed in individual(s) with neutral lipid storage disease with myopathy (NLSDM) (PMID: 17187067, 21544567, 23449549). In at least one individual the data is consistent with being in trans (on the opposite chromosome) from a pathogenic variant. ClinVar contains an entry for this variant (Variation ID: 1874). Advanced modeling of protein sequence and biophysical properties (such as structural, functional, and spatial information, amino acid conservation, physicochemical variation, residue mobility, and thermodynamic stability) performed at Invitae indicates that this missense variant is expected to disrupt PNPLA2 protein function. Experimental studies have shown that this missense change affects PNPLA2 function (PMID: 18445597, 22990388). For these reasons, this variant has been classified as Pathogenic.

Blueprint Genetics
Classification: Pathogenic for PNPLA2-related disorders. Last evaluated: 2022-11-15. Review status: criteria provided, single submitter. Criteria: ACMG Guidelines, 2015. Collection method: clinical testing. Allele origin: germline. Affected: yes. Observed: 2 variant alleles.

OMIM
Classification: Pathogenic for NEUTRAL LIPID STORAGE DISEASE WITH MYOPATHY. Last evaluated: 2011-11-01. Review status: no assertion criteria provided. Collection method: literature only. Allele origin: germline. Not counted in ClinVar's aggregate classification.

Literature cited by the submitters: PubMed 17187067 (cited by Labcorp Genetics (formerly Invitae), Labcorp and OMIM); PubMed 21544567 (cited by Labcorp Genetics (formerly Invitae), Labcorp and OMIM); PubMed 23449549 (cited by Labcorp Genetics (formerly Invitae), Labcorp); PubMed 18445597 (cited by Labcorp Genetics (formerly Invitae), Labcorp); PubMed 22990388 (cited by Labcorp Genetics (formerly Invitae), Labcorp).

NM_020376.4(PNPLA2):c.584C>T (p.Pro195Leu)

Gene: PNPLA2 (patatin like domain 2, triacylglycerol lipase; plus strand). Cytogenetic location: 11p15.5.
Variant type: single nucleotide variant.
Coding change: c.584C>T on transcript NM_020376.4 (MANE Select); coding-DNA position 584, C replaced by T.
Protein change: p.Pro195Leu; replaces proline 195 with leucine.
Molecular consequence: missense variant.
Genome position (GRCh38, 1-based): chr11:822,494, C>T. VCF-style: chr11-822494-C-T. GRCh37 (hg19) VCF-style: chr11-822494-C-T.
Other names: short protein forms P195L.
Identifiers: ClinVar variation 1874 (VCV000001874.10), dbSNP rs121918259, ClinGen allele CA115259.